The following is an entry in ClinVar:

NM_001458.5(FLNC):c.5143G>A (p.Val1715Ile)

Gene: FLNC (filamin C; plus strand). Cytogenetic location: 7q32.1.
Variant type: single nucleotide variant.
Coding change: c.5143G>A on transcript NM_001458.5 (MANE Select); coding-DNA position 5143, G replaced by A.
Protein change: p.Val1715Ile; replaces valine 1715 with isoleucine.
Molecular consequence: missense variant.
Genome position (GRCh38, 1-based): chr7:128,849,522, G>A. VCF-style: chr7-128849522-G-A. GRCh37 (hg19) VCF-style: chr7-128489576-G-A.
Other names: c.5143G>A, p.Val1715Ile (NM_001127487.2); short protein forms V1715I.
Identifiers: ClinVar variation 539504 (VCV000539504.19), dbSNP rs200178370, ClinGen allele CA4475567.

ClinVar aggregate classification (germline): Likely benign. Review status: criteria provided, multiple submitters, no conflicts (2 of 4 stars). 5 submissions from 5 submitters: Likely benign (4). 1 of the submissions does not count toward it. Last evaluated 2026-02-03.

Conditions:
Myofibrillar myopathy 5. Also called: Filaminopathy (type); FILAMINOPATHY, AUTOSOMAL DOMINANT. Identifiers: Orphanet 171445, MedGen C1836050, MONDO:0012289, OMIM 609524.
Distal myopathy with posterior leg and anterior hand involvement. Also called: WILLIAMS DISTAL MYOPATHY. Identifiers: Orphanet 63273, MedGen C3279722, MONDO:0013550, OMIM 614065.
Hypertrophic cardiomyopathy 26. Also called: Cardiomyopathy, familial hypertrophic, 26. Identifiers: Orphanet 75249, MedGen C4310749, MONDO:0014883, OMIM 617047.
FLNC-related disorder. Also called: FLNC-related condition; FLNC-related disorders.
Cardiovascular phenotype. Identifiers: MedGen CN230736.

Allele frequency attached by ClinVar (database versions not stated): TOPMed 0.00002; ESP Exome Variant Server 0.00008; gnomAD exomes 0.00013 and 0.00019; 1000 Genomes Project 30x 0.00016; gnomAD 0.00017 and 0.00018; ExAC 0.00018; 1000 Genomes Project 0.00020.
gnomAD v4.1: 212 of 1,614,192 alleles (0.013%); highest among the groups gnomAD compares: Non-Finnish European, 0.01%; 1 homozygote.

Submissions (5):

Labcorp Genetics (formerly Invitae), Labcorp
Classification: Likely benign for Distal myopathy with posterior leg and anterior hand involvement; Myofibrillar myopathy 5; Hypertrophic cardiomyopathy 26. Last evaluated: 2026-02-03. Review status: criteria provided, single submitter. Criteria: Invitae Variant Classification Sherloc (09022015). Collection method: clinical testing. Allele origin: germline.

Blueprint Genetics
Classification: Likely benign. Last evaluated: 2024-10-23. Review status: criteria provided, single submitter. Criteria: ACMG Guidelines, 2015. Collection method: clinical testing. Allele origin: germline.

GeneDx
Classification: Likely benign. Last evaluated: 2021-04-26. Review status: criteria provided, single submitter. Criteria: GeneDx Variant Classification Process June 2021. Collection method: clinical testing. Allele origin: germline. Affected: yes.

Ambry Genetics
Classification: Likely benign for Cardiovascular phenotype. Last evaluated: 2020-01-27. Review status: criteria provided, single submitter. Criteria: Ambry Variant Classification Scheme 2023. Collection method: clinical testing. Allele origin: germline.

PreventionGenetics, part of Exact Sciences
Classification: Likely benign for FLNC-related condition. Last evaluated: 2020-10-26. Review status: no assertion criteria provided. Collection method: clinical testing. Allele origin: germline. Not counted in ClinVar's aggregate classification.
Comment: This variant is classified as likely benign based on ACMG/AMP sequence variant interpretation guidelines (Richards et al. 2015 PMID: 25741868, with internal and published modifications).